The following is an entry in ClinVar:

NM_002528.7(NTHL1):c.589C>T (p.Pro197Ser)

Gene: NTHL1 (nth like DNA glycosylase 1; minus strand). Cytogenetic location: 16p13.3.
Variant type: single nucleotide variant.
Coding change: c.589C>T on transcript NM_002528.7 (MANE Select); coding-DNA position 589, C replaced by T.
Protein change: p.Pro197Ser; replaces proline 197 with serine.
Molecular consequence: missense variant.
Genome position (GRCh38, 1-based): chr16:2,043,663, G>A on the plus strand (C>T on the coding strand, the complement: NTHL1 is on the minus strand). VCF-style: chr16-2043663-G-A. GRCh37 (hg19) VCF-style: chr16-2093664-G-A.
Other names: c.418C>T, p.Pro140Ser (NM_001318193.2); c.259C>T, p.Pro87Ser (NM_001318194.2); c.613C>T (NM_002528.5); short protein forms P87S, P140S, P197S.
Identifiers: ClinVar variation 1475776 (VCV001475776.7), dbSNP rs897842210, ClinGen allele CA394291800.
Genomic context (GRCh38, chr16:2,043,663, plus strand): 5'-CCAGGTGTGCCATCTTGGGCCCAACACCCGGCAGCGCCACCAGCTCGGCCACAGAGGCTG[G>A]GATGTCCCCACCGTAGTGCTGCTGCAGGATGGCGCTGGTCTGCTTGATGTATTTCACCTT-3'
Protein context (NP_002519.2, residues 187-207): ILQQHYGGDI[Pro197Ser]ASVAELVALP

ClinVar aggregate classification (germline): Uncertain significance. Review status: criteria provided, multiple submitters, no conflicts (2 of 4 stars). 2 submissions from 2 submitters: Uncertain significance (2). Last evaluated 2025-01-20.

Conditions:
Hereditary cancer-predisposing syndrome. Also called: Neoplastic Syndromes, Hereditary; Hereditary Cancer Syndrome; Tumor predisposition; Hereditary neoplastic syndrome. Identifiers: Orphanet 140162, MedGen C0027672, MeSH D009386, MONDO:0015356.

Submissions (2):

Ambry Genetics
Classification: Uncertain significance for Hereditary cancer-predisposing syndrome. Last evaluated: 2025-01-20. Review status: criteria provided, single submitter. Criteria: Ambry Variant Classification Scheme 2023. Collection method: clinical testing. Allele origin: germline.
Comment: The p.P205S variant (also known as c.613C>T), located in coding exon 4 of the NTHL1 gene, results from a C to T substitution at nucleotide position 613. The proline at codon 205 is replaced by serine, an amino acid with similar properties. This amino acid position is highly conserved in available vertebrate species. In addition, this alteration is predicted to be deleterious by in silico analysis. Based on the available evidence, the clinical significance of this variant remains unclear.

Labcorp Genetics (formerly Invitae), Labcorp
Classification: Uncertain significance. Last evaluated: 2022-11-09. Review status: criteria provided, single submitter. Criteria: Invitae Variant Classification Sherloc (09022015). Collection method: clinical testing. Allele origin: germline.
Comment: Algorithms developed to predict the effect of missense changes on protein structure and function are either unavailable or do not agree on the potential impact of this missense change (SIFT: "Not Available"; PolyPhen-2: "Probably Damaging"; Align-GVGD: "Not Available"). This sequence change replaces proline, which is neutral and non-polar, with serine, which is neutral and polar, at codon 205 of the NTHL1 protein (p.Pro205Ser). This variant is not present in population databases (gnomAD no frequency). This variant has not been reported in the literature in individuals affected with NTHL1-related conditions. ClinVar contains an entry for this variant (Variation ID: 1475776). In summary, the available evidence is currently insufficient to determine the role of this variant in disease. Therefore, it has been classified as a Variant of Uncertain Significance.